The following is an entry in ClinVar:

NM_000368.4(TSC1):c.-234-1616_-234-235del1382

Genes: GFI1B (growth factor independent 1B transcriptional repressor; plus strand), MIR548AW (microRNA 548aw; plus strand), TSC1 (TSC complex subunit 1; minus strand). Cytogenetic location: 9q34.13.
Variant type: Deletion.
Coding change: c.-234-1616_-234-235del1382 on transcript NM_000368.4; 1616 bases into the intron before 234 bases upstream of the start codon through 235 bases into the intron before 234 bases upstream of the start codon, 1,382 bases deleted.
Genome position (GRCh38, 1-based): chr9:132,944,868-132,946,249, 1,382 bases deleted. GRCh37 (hg19): chr9:135,820,257-135,821,638.
Identifiers: ClinVar variation 853499 (VCV000853499.5), ClinGen allele CA916081568.

ClinVar aggregate classification (germline): Uncertain significance. Review status: criteria provided, multiple submitters, no conflicts (2 of 4 stars). 2 submissions from 2 submitters: Uncertain significance (2). Last evaluated 2023-12-07.

Conditions:
Tuberous sclerosis 1 (TSC1). Identifiers: Orphanet 805, MedGen C1854465, MONDO:0008612, OMIM 191100.
Hereditary cancer-predisposing syndrome. Also called: Tumor predisposition; Neoplastic Syndromes, Hereditary; Hereditary Cancer Syndrome; Hereditary neoplastic syndrome. Identifiers: Orphanet 140162, MedGen C0027672, MeSH D009386, MONDO:0015356.

Submissions (2):

Ambry Genetics
Classification: Uncertain significance for Hereditary cancer-predisposing syndrome. Last evaluated: 2023-12-07. Review status: criteria provided, single submitter. Criteria: Ambry Variant Classification Scheme 2023. Collection method: clinical testing. Allele origin: germline.
Comment: The c.-234-1616_-234-235del1382 gross deletion is located in the 5' untranslated region (5'UTR) of the TSC1 gene; however the exact functional significance is unknown at this time. Since supporting evidence is limited at this time, the clinical significance of this alteration remains unclear.

Labcorp Genetics (formerly Invitae), Labcorp
Classification: Uncertain significance for Tuberous sclerosis 1. Last evaluated: 2019-11-05. Review status: criteria provided, single submitter. Criteria: Invitae Variant Classification Sherloc (09022015). Collection method: clinical testing. Allele origin: germline.
Comment: This variant occurs in a non-coding region of the TSC1 gene. It does not change the encoded amino acid sequence of the TSC1 protein. This variant has not been reported in the literature in individuals with TSC1-related conditions. Experimental studies and prediction algorithms are not available for this variant, and the functional significance of this non-coding change is currently unknown. In summary, the available evidence is currently insufficient to determine the role of this variant in disease. Therefore, it has been classified as a Variant of Uncertain Significance.